The following is an entry in ClinVar:

NM_198578.4(LRRK2):c.3732G>T (p.Trp1244Cys)

Gene: LRRK2 (leucine rich repeat kinase 2; plus strand). Cytogenetic location: 12q12.
Variant type: single nucleotide variant.
Coding change: c.3732G>T on transcript NM_198578.4 (MANE Select); coding-DNA position 3732, G replaced by T.
Protein change: p.Trp1244Cys; replaces tryptophan 1244 with cysteine.
Molecular consequence: missense variant.
Genome position (GRCh38, 1-based): chr12:40,304,089, G>T. VCF-style: chr12-40304089-G-T. GRCh37 (hg19) VCF-style: chr12-40697891-G-T.
Other names: short protein forms W1244C.
Identifiers: ClinVar variation 1734403 (VCV001734403.2), dbSNP rs2499782175, ClinGen allele CA384416835.
Genomic context (GRCh38, chr12:40,304,089, plus strand): 5'-ACTCTTATTTAGCCATAATCAGATCAGCATCTTGGACTTGAGTGAAAAAGCATATTTATG[G>T]TCTAGAGTAGAGAAACTGCATCTTTCTCACAATAAACTGAAAGAGGTAAGACGATTATTG-3'
Protein context (NP_940980.4, residues 1234-1254): ILDLSEKAYL[Trp1244Cys]SRVEKLHLSH

ClinVar aggregate classification (germline): Uncertain significance (1 of 4 stars; one submission).

Conditions:
Inborn genetic diseases. Identifiers: MedGen C0950123, MeSH D030342.

Submission:

Ambry Genetics
Classification: Uncertain significance for Inborn genetic diseases. Last evaluated: 2022-10-10. Review status: criteria provided, single submitter. Criteria: Ambry Variant Classification Scheme 2023. Collection method: clinical testing. Allele origin: germline.
Comment: The p.W1244C variant (also known as c.3732G>T), located in coding exon 27 of the LRRK2 gene, results from a G to T substitution at nucleotide position 3732. The tryptophan at codon 1244 is replaced by cysteine, an amino acid with highly dissimilar properties. This amino acid position is conserved. In addition, the in silico prediction for this alteration is inconclusive. Since supporting evidence is limited at this time, the clinical significance of this alteration remains unclear.